The following is an entry in ClinVar:

NM_053025.4(MYLK):c.5519T>C (p.Val1840Ala)

Genes: MYLK-AS1 (MYLK antisense RNA 1; plus strand), MYLK (myosin light chain kinase; minus strand). Cytogenetic location: 3q21.1.
Variant type: single nucleotide variant.
Coding change: c.5519T>C on transcript NM_053025.4 (MANE Select); coding-DNA position 5519, T replaced by C.
Protein change: p.Val1840Ala; replaces valine 1840 with alanine.
Molecular consequence: missense variant.
Genome position (GRCh38, 1-based): chr3:123,614,331, A>G on the plus strand (T>C on the coding strand, the complement: MYLK is on the minus strand). VCF-style: chr3-123614331-A-G. GRCh37 (hg19) VCF-style: chr3-123333178-A-G.
Other names: c.4991T>C, p.Val1664Ala (NM_001321309.2); c.5312T>C, p.Val1771Ala (NM_053026.4); c.5366T>C, p.Val1789Ala (NM_053027.4); c.5159T>C, p.Val1720Ala (NM_053028.4); c.236T>C, p.Val79Ala (NM_053031.4); c.239T>C, p.Val80Ala (NM_053032.4); short protein forms V79A, V1789A, V1664A, V1720A, V1771A, V1840A, V80A.
Identifiers: ClinVar variation 2884719 (VCV002884719.3), dbSNP rs768219999, ClinGen allele CA073081.

ClinVar aggregate classification (germline): Uncertain significance (1 of 4 stars; one submission).

Conditions:
Aortic aneurysm, familial thoracic 7 (AAT7). Also called: AORTIC DISSECTION, FAMILIAL, WITH OR WITHOUT AORTIC ANEURYSM. Identifiers: MedGen C3151077, MONDO:0013418, OMIM 613780.

Allele frequency attached by ClinVar (database versions not stated): ExAC 0.00001.

Submission:

Labcorp Genetics (formerly Invitae), Labcorp
Classification: Uncertain significance for Aortic aneurysm, familial thoracic 7. Last evaluated: 2024-08-28. Review status: criteria provided, single submitter. Criteria: Invitae Variant Classification Sherloc (09022015). Collection method: clinical testing. Allele origin: germline.
Comment: This sequence change replaces valine, which is neutral and non-polar, with alanine, which is neutral and non-polar, at codon 1840 of the MYLK protein (p.Val1840Ala). This variant is present in population databases (rs768219999, gnomAD 0.0009%). This variant has not been reported in the literature in individuals affected with MYLK-related conditions. Invitae Evidence Modeling of protein sequence and biophysical properties (such as structural, functional, and spatial information, amino acid conservation, physicochemical variation, residue mobility, and thermodynamic stability) indicates that this missense variant is not expected to disrupt MYLK protein function with a negative predictive value of 80%. In summary, the available evidence is currently insufficient to determine the role of this variant in disease. Therefore, it has been classified as a Variant of Uncertain Significance.